The following is an entry in ClinVar:

ClinVar aggregate classification (germline): Uncertain significance (1 of 4 stars; one submission).

Conditions:
ANKRD11-related disorder. Also called: ANKRD11-related condition.

Submission:

PreventionGenetics, part of Exact Sciences
Classification: Uncertain significance for ANKRD11-related condition. Last evaluated: 2025-10-26. Review status: criteria provided, single submitter. Criteria: ACMG Guidelines, 2015. Collection method: clinical testing. Allele origin: germline.
Comment: The ANKRD11 c.3652A>C variant is predicted to result in the amino acid substitution p.Lys1218Gln. To our knowledge, this variant has not been reported in the literature or in a large population database (gnomAD), indicating this variant is rare. At this time, the clinical significance of this variant is uncertain due to the absence of conclusive functional and genetic evidence.

NM_013275.6(ANKRD11):c.3652A>C (p.Lys1218Gln)

Gene: ANKRD11 (ankyrin repeat domain 11; minus strand). Cytogenetic location: 16q24.3.
Variant type: single nucleotide variant.
Coding change: c.3652A>C on transcript NM_013275.6 (MANE Select); coding-DNA position 3652, A replaced by C.
Protein change: p.Lys1218Gln; replaces lysine 1218 with glutamine.
Molecular consequence: missense variant.
Genome position (GRCh38, 1-based): chr16:89,282,890, T>G on the plus strand (A>C on the coding strand, the complement: ANKRD11 is on the minus strand). VCF-style: chr16-89282890-T-G. GRCh37 (hg19) VCF-style: chr16-89349298-T-G.
Other names: c.3652A>C, p.Lys1218Gln (NM_001256182.2, NM_001256183.2); short protein forms K1218Q.
Identifiers: ClinVar variation 4995871 (VCV004995871.1).
Genomic context (GRCh38, chr16:89,282,890, plus strand): 5'-GCTTCTGTTTATTTTTCTTATCTTGCGTGGAGTCCACTGAGGCTCTGTCCTTCCTGTCCT[T>G]GTACTTTTCTGTGGACTCTTTATCCTTCTTCTCCTTGTGCTTTTCAAAGACTTTCTCTTT-3'
Protein context (NP_037407.4, residues 1208-1228): KKDKESTEKY[Lys1218Gln]DRKDRASVDS